The following is an entry in ClinVar:

ClinVar aggregate classification (germline): Pathogenic. Review status: reviewed by expert panel (3 of 4 stars). 3 submissions from 3 submitters: Pathogenic (1). 2 of the submissions do not count toward it. Last evaluated 2016-10-18.

Conditions:
Hereditary cancer-predisposing syndrome. Also called: Neoplastic Syndromes, Hereditary; Tumor predisposition; Hereditary neoplastic syndrome; Hereditary Cancer Syndrome. Identifiers: Orphanet 140162, MedGen C0027672, MeSH D009386, MONDO:0015356.
Breast-ovarian cancer, familial, susceptibility to, 2 (BROVCA2). Also called: BRCA2 Hereditary Breast and Ovarian Cancer. Identifiers: Orphanet 145, MedGen C2675520, MONDO:0012933, OMIM 612555. Disease mechanism: loss of function.

Submissions (3):

Evidence-based Network for the Interpretation of Germline Mutant Alleles (ENIGMA)
Classification: Pathogenic for Breast-ovarian cancer, familial, susceptibility to, 2. Last evaluated: 2016-10-18. Review status: reviewed by expert panel. Criteria: ENIGMA BRCA1/2 Classification Criteria (2015). Collection method: curation. Allele origin: germline.
Comment: Variant allele predicted to encode a truncated non-functional protein.

Ambry Genetics
Classification: Pathogenic for Hereditary cancer-predisposing syndrome. Last evaluated: 2019-04-26. Review status: criteria provided, single submitter. Criteria: Ambry Variant Classification Scheme 2023. Collection method: clinical testing. Allele origin: germline. Not counted in ClinVar's aggregate classification.
Comment: The c.8072_8073delCT pathogenic mutation, located in coding exon 17 of the BRCA2 gene, results from a deletion of two nucleotides at nucleotide positions 8072 to 8073, causing a translational frameshift with a predicted alternate stop codon (p.S2691*). This alteration was reported in one French hereditary breast and ovarian cancer (HBOC) syndrome family (Lecarpentier J et al. Breast Cancer Res., 2012 Jul;14:R99). This alteration was also reported in a large, worldwide study of BRCA1/2 mutation positive families (Rebbeck TR et al. Hum. Mutat. 2018 05;39:593-620). In addition to the clinical data presented in the literature, this alteration is expected to result in loss of function by premature protein truncation or nonsense-mediated mRNA decay. As such, this alteration is interpreted as a disease-causing mutation.

Consortium of Investigators of Modifiers of BRCA1/2 (CIMBA), c/o University of Cambridge
Classification: Pathogenic for Breast-ovarian cancer, familial, susceptibility to, 2. Last evaluated: 2015-10-02. Review status: criteria provided, single submitter. Criteria: CIMBA Mutation Classification guidelines May 2016. Collection method: clinical testing. Allele origin: germline. Not counted in ClinVar's aggregate classification.

Literature cited by the submitters: PubMed 22762150 (cited by Ambry Genetics); PubMed 29446198 (cited by Ambry Genetics).

NM_000059.4(BRCA2):c.8072_8073del (p.Val2690_Ser2691insTer)

Gene: BRCA2 (BRCA2 DNA repair associated; plus strand). Cytogenetic location: 13q13.1.
Variant type: Deletion.
Coding change: c.8072_8073del on transcript NM_000059.4 (MANE Select); coding-DNA positions 8072 to 8073, 2 bases deleted (CT; older notation c.8072_8073delCT).
Protein change: p.Val2690_Ser2691insTer.
Molecular consequence: nonsense.
Genome position (GRCh38, 1-based): chr13:32,363,274-32,363,275, CT deleted; deleting any 2 consecutive bases within chr13:32,363,273-32,363,275 gives the same sequence; the c. name uses the placement nearest the transcript's 3' end. VCF-style (leftmost placement, unchanged base first): chr13-32363272-TTC-T. GRCh37 (hg19) VCF-style: chr13-32937409-TTC-T.
Other names: 8300delCT-ter2691; c.8072_8073delCT (NM_000059.3).
Identifiers: ClinVar variation 52498 (VCV000052498.11), dbSNP rs397507963, ClinGen allele CA025439.
Genomic context (GRCh38, chr13:32,363,272, plus strand): 5'-GGCTATAAAAAAGATAATGGAAAGGGATGACACAGCTGCAAAAACACTTGTTCTCTGTGT[TTC>T]TGACATAATTTCATTGAGCGCAAATATATCTGAAACTTCTAGCAATAAAACTAGTAGTGC-3'